The following is an entry in ClinVar:

ClinVar aggregate classification (germline): Conflicting classifications of pathogenicity. Review status: criteria provided, conflicting classifications (1 of 4 stars). 8 submissions from 8 submitters: Uncertain significance (7); Likely benign (1). Last evaluated 2026-01-31.

Conditions:
VHL-related disorder. Also called: VHL-related condition.
Von Hippel-Lindau syndrome (VHLS). Also called: Von Hippel-Lindau; VHL syndrome; von Hippel–Lindau syndrome. Identifiers: Orphanet 892, MedGen C0019562, MONDO:0008667, OMIM 193300. Disease mechanism: loss of function.
Chuvash polycythemia. Also called: POLYCYTHEMIA, VHL-DEPENDENT. Identifiers: Orphanet 238557, MedGen C1837915, MONDO:0009892, OMIM 263400.
Hereditary cancer-predisposing syndrome. Also called: Hereditary Cancer Syndrome; Tumor predisposition; Hereditary neoplastic syndrome; Neoplastic Syndromes, Hereditary. Identifiers: Orphanet 140162, MedGen C0027672, MeSH D009386, MONDO:0015356.

Allele frequency attached by ClinVar (database versions not stated): gnomAD exomes 0.00001; TOPMed 0.00002; gnomAD 0.00001.
gnomAD v4.1: 19 of 1,614,036 alleles (0.0012%); highest among the groups gnomAD compares: Non-Finnish European, 0.0014%; no homozygotes.

Submissions (8):

Labcorp Genetics (formerly Invitae), Labcorp
Classification: Uncertain significance for Von Hippel-Lindau syndrome; Chuvash polycythemia. Last evaluated: 2026-01-31. Review status: criteria provided, single submitter. Criteria: Invitae Variant Classification Sherloc (09022015). Collection method: clinical testing. Allele origin: germline.
Comment: This sequence change replaces arginine, which is basic and polar, with glutamine, which is neutral and polar, at codon 200 of the VHL protein (p.Arg200Gln). This variant is present in population databases (rs754016774, gnomAD 0.006%). This missense change has been observed in individual(s) with clinical features of familial erythrocytosis and/or pheochromocytoma (PMID: 29790589, 30877234). ClinVar contains an entry for this variant (Variation ID: 421558). Invitae Evidence Modeling of protein sequence and biophysical properties (such as structural, functional, and spatial information, amino acid conservation, physicochemical variation, residue mobility, and thermodynamic stability) indicates that this missense variant is expected to disrupt VHL protein function with a positive predictive value of 95%. This variant disrupts the p.Arg200 amino acid residue in VHL. Other variant(s) that disrupt this residue have been determined to be pathogenic (PMID: 9058738, 11987242, 12415268, 19494350). This suggests that this residue is clinically significant, and that variants that disrupt this residue are likely to be disease-causing. In summary, the available evidence is currently insufficient to determine the role of this variant in disease. Therefore, it has been classified as a Variant of Uncertain Significance.

Color Diagnostics, LLC DBA Color Health
Classification: Uncertain significance for Von Hippel-Lindau syndrome. Last evaluated: 2025-06-23. Review status: criteria provided, single submitter. Criteria: ACMG Guidelines, 2015. Collection method: clinical testing. Allele origin: germline.
Comment: This missense variant replaces arginine with glutamine at codon 200 of the VHL protein. Computational prediction suggests that this variant may have deleterious impact on protein structure and function. To our knowledge, functional studies have not been reported for this variant nor has this variant been reported in individuals affected with VHL-associated hereditary cancer in the literature. This variant has been reported in an individual with a single pheochromocytoma (PMID: 30877234). This variant has been reported as a heterozygous mutation in an individual affected with erythrocytosis (PMID: 29790589). A different missense variant, p.Arg200Trp, has been reported in biallelic individuals affected with polycythemia and erythrocytosis, and the codon for arginine 200 has been described as a hotspot for these recessive biallelic conditions (PMID: 11987242, 12415268, 19494350, 29790589, 35142155). This variant has been identified in 4/282786 chromosomes in the general population by the Genome Aggregation Database (gnomAD). The available evidence is insufficient to determine the role of this variant in disease conclusively for VHL-associated autosomal dominant hereditary cancer. Therefore, this variant is classified as a Variant of Uncertain Significance.

PreventionGenetics, part of Exact Sciences
Classification: Uncertain significance for VHL-related condition. Last evaluated: 2025-04-11. Review status: criteria provided, single submitter. Criteria: ACMG Guidelines, 2015. Collection method: clinical testing. Allele origin: germline.
Comment: The VHL c.599G>A variant is predicted to result in the amino acid substitution p.Arg200Gln. This variant was reported in the heterozygous state without a second potentially causative variant in an individual with erythrocytosis (Oliveira et al. 2018. PubMed ID: 29790589) and as a germline variant in a patient with a single pheochromocytoma (Table S3, Ben Aim et al. 2019. PubMed ID: 30877234). This variant is reported in 0.0065% of alleles in individuals of South Asian descent in gnomAD and has conflicting interpretations of pathogenicity in ClinVar ranging from uncertain significance to likely benign. At this time, the clinical significance of this variant is uncertain due to the absence of conclusive functional and genetic evidence.

GeneDx
Classification: Uncertain significance. Last evaluated: 2024-04-15. Review status: criteria provided, single submitter. Criteria: GeneDx Variant Classification Process June 2021. Collection method: clinical testing. Allele origin: germline. Affected: yes.
Comment: Not observed at significant frequency in large population cohorts (gnomAD); In silico analysis indicates that this missense variant does not alter protein structure/function; Identified in an individual with pheochromocytoma who also harbored a canonical VHL splice site variant (PMID: 30877234); Identified in an individual with erythrocytosis (PMID: 29790589); This variant is associated with the following publications: (PMID: 35142155, 30877234, 29790589)

Ambry Genetics
Classification: Uncertain significance for Hereditary cancer-predisposing syndrome. Last evaluated: 2023-12-06. Review status: criteria provided, single submitter. Criteria: Ambry Variant Classification Scheme 2023. Collection method: clinical testing. Allele origin: germline.
Comment: The p.R200Q variant (also known as c.599G>A), located in coding exon 3 of the VHL gene, results from a G to A substitution at nucleotide position 599. The arginine at codon 200 is replaced by glutamine, an amino acid with highly similar properties. This alteration has been identified in a heterozygous state in a patient with erythrocytosis (Oliveira JL et al. Am. J. Hematol., 2018 May). A similar alteration affecting this same amino acid, p.R200W, is known to cause autosomal recessive Chuvash polycythemia, a condition characterized by increased red blood cell mass and high risk of peripheral thrombosis and cerebrovascular events (Ang SO et al. Nat. Genet. 2002 Dec;32:614-21; Liu E et al. Blood. 2004 Mar;103:1937-40; Gordeuk VR et al. Blood. 2004 May;103:3924-32; Tomasic NL et al. Haematologica. 2013 Apr;98(4):560-7). This amino acid position is highly conserved in available vertebrate species. In addition, this alteration is predicted to be deleterious by in silico analysis. Since supporting evidence is limited at this time, the clinical significance of this alteration remains unclear.

Baylor Genetics
Classification: Uncertain significance for Chuvash polycythemia. Last evaluated: 2023-10-22. Review status: criteria provided, single submitter. Criteria: ACMG Guidelines, 2015. Collection method: clinical testing. Allele origin: unknown.

Sema4
Classification: Uncertain significance for Hereditary cancer-predisposing syndrome. Last evaluated: 2021-09-09. Review status: criteria provided, single submitter. Criteria: Sema4 Curation Guidelines. Collection method: curation. Allele origin: germline.
Comment: The VHL c.599G>A (p.R200Q) variant has been reported in at least one individual with pheochromocytoma (PMID: 30877234). It was observed in 2/30608 chromosomes of the South Asian subpopulation in the large and broad cohorts of the Genome Aggregation Database (PMID: 32461654). The variant has been reported in ClinVar (Variation ID 421558). In silico tools suggest the impact of the variant on protein function is deleterious though these predictions have not been confirmed by functional studies. The evidence is insufficient to meet ACMG/AMP criteria for classifying the variant as benign or pathogenic. Thus, the clinical significance of this variant is currently uncertain.

Illumina Laboratory Services, Illumina
Classification: Likely benign for Von Hippel-Lindau syndrome. Last evaluated: 2018-01-13. Review status: criteria provided, single submitter. Criteria: ICSL Variant Classification Criteria 13 December 2019. Collection method: clinical testing. Allele origin: germline.
Comment: This variant was observed in the ICSL laboratory as part of a predisposition screen in an ostensibly healthy population. It had not been previously curated by ICSL or reported in the Human Gene Mutation Database (HGMD: prior to June 1st, 2018), and was therefore a candidate for classification through an automated scoring system. Utilizing variant allele frequency, disease prevalence and penetrance estimates, and inheritance mode, an automated score was calculated to assess if this variant is too frequent to cause the disease. Based on the score and internal cut-off values, a variant classified as likely benign is not then subjected to further curation. The score for this variant resulted in a classification of likely benign for this disease.

Literature cited by the submitters: PubMed 29790589 (cited by 3 submitters); PubMed 30877234 (cited by 3 submitters); PubMed 9058738 (cited by Labcorp Genetics (formerly Invitae), Labcorp); PubMed 11987242 (cited by Labcorp Genetics (formerly Invitae), Labcorp and Color Diagnostics, LLC DBA Color Health); PubMed 12415268 (cited by Labcorp Genetics (formerly Invitae), Labcorp and Color Diagnostics, LLC DBA Color Health); PubMed 19494350 (cited by Labcorp Genetics (formerly Invitae), Labcorp and Color Diagnostics, LLC DBA Color Health); PubMed 35142155 (cited by Color Diagnostics, LLC DBA Color Health).

NM_000551.4(VHL):c.599G>A (p.Arg200Gln)

Genes: VHL (von Hippel-Lindau tumor suppressor; plus strand), LOC107303340 (3p25 von Hippel-Lindau tumor suppressor, E3 ubiquitin protein ligase Alu-mediated recombination region; plus strand). Cytogenetic location: 3p25.3.
Variant type: single nucleotide variant.
Coding change: c.599G>A on transcript NM_000551.4 (MANE Select); coding-DNA position 599, G replaced by A.
Protein change: p.Arg200Gln; replaces arginine 200 with glutamine.
Molecular consequence: missense variant. On other transcripts: 3 prime UTR variant (1).
Genome position (GRCh38, 1-based): chr3:10,149,922, G>A. VCF-style: chr3-10149922-G-A. GRCh37 (hg19) VCF-style: chr3-10191606-G-A.
Other names: c.*153G>A (NM_001354723.2); c.476G>A, p.Arg159Gln (NM_198156.3); short protein forms R200Q, R159Q.
Identifiers: ClinVar variation 421558 (VCV000421558.25), dbSNP rs754016774, ClinGen allele CA041791.
Genomic context (GRCh38, chr3:10,149,922, plus strand): 5'-TCGTCAGGTCGCTCTACGAAGATCTGGAAGACCACCCAAATGTGCAGAAAGACCTGGAGC[G>A]GCTGACACAGGAGCGCATTGCACATCAACGGATGGGAGATTGAAGATTTCTGTTGAAACT-3'
Protein context (NP_000542.1, residues 190-210): DHPNVQKDLE[Arg200Gln]LTQERIAHQR